The following is an entry in ClinVar:

ClinVar aggregate classification (germline): Likely pathogenic (1 of 4 stars; one submission).

Submission:

GeneDx
Classification: Likely pathogenic. Last evaluated: 2026-03-24. Review status: criteria provided, single submitter. Criteria: GeneDx Variant Classification Process June 2021. Collection method: clinical testing. Allele origin: germline.
Comment: Canonical splice site variant predicted to result in a null allele in a gene for which loss of function is a known mechanism of disease; Not observed at significant frequency in large population cohorts (gnomAD); Has not been previously published as pathogenic or benign to our knowledge

NM_001018113.3(FANCB):c.1327-1G>T

Gene: FANCB (FA complementation group B; minus strand). Cytogenetic location: Xp22.2.
Variant type: single nucleotide variant.
Coding change: c.1327-1G>T on transcript NM_001018113.3 (MANE Select); the canonical splice acceptor site of the intron before coding-DNA position 1327, G replaced by T.
Molecular consequence: splice acceptor variant.
Genome position (GRCh38, 1-based): chrX:14,850,675, C>A on the plus strand (G>T on the coding strand, the complement: FANCB is on the minus strand). VCF-style: chrX-14850675-C-A. GRCh37 (hg19) VCF-style: chrX-14868797-C-A.
Other names: c.1327-1G>T (NM_001410764.1, NM_001324162.2, NM_152633.4).
Identifiers: ClinVar variation 5018463 (VCV005018463.1).